The following is an entry in ClinVar:

ClinVar aggregate classification (germline): Uncertain significance. Review status: criteria provided, multiple submitters, no conflicts (2 of 4 stars). 2 submissions from 2 submitters: Uncertain significance (2). Last evaluated 2025-08-28.

Conditions:
Inborn genetic diseases. Identifiers: MedGen C0950123, MeSH D030342.

Allele frequency attached by ClinVar (database versions not stated): ExAC 0.00001; gnomAD 0.00001 and 0.00002; TOPMed 0.00001; gnomAD exomes 0.00002.
gnomAD v4.1: 26 of 1,613,832 alleles (0.0016%); highest among the groups gnomAD compares: Non-Finnish European, 0.0022%; no homozygotes.

Submissions (2):

Ambry Genetics
Classification: Uncertain significance for Inborn genetic diseases. Last evaluated: 2025-08-28. Review status: criteria provided, single submitter. Criteria: Ambry Variant Classification Scheme 2023. Collection method: clinical testing. Allele origin: germline.

Labcorp Genetics (formerly Invitae), Labcorp
Classification: Uncertain significance. Last evaluated: 2024-10-19. Review status: criteria provided, single submitter. Criteria: Invitae Variant Classification Sherloc (09022015). Collection method: clinical testing. Allele origin: germline.
Comment: This sequence change replaces phenylalanine, which is neutral and non-polar, with isoleucine, which is neutral and non-polar, at codon 2098 of the PCLO protein (p.Phe2098Ile). This variant is present in population databases (rs769536827, gnomAD 0.004%). This variant has not been reported in the literature in individuals affected with PCLO-related conditions. ClinVar contains an entry for this variant (Variation ID: 1486594). Experimental studies and prediction algorithms are not available or were not evaluated, and the functional significance of this variant is currently unknown. In summary, the available evidence is currently insufficient to determine the role of this variant in disease. Therefore, it has been classified as a Variant of Uncertain Significance.

NM_033026.6(PCLO):c.6292T>A (p.Phe2098Ile)

Gene: PCLO (piccolo presynaptic cytomatrix protein; minus strand). Cytogenetic location: 7q21.11.
Variant type: single nucleotide variant.
Coding change: c.6292T>A on transcript NM_033026.6 (MANE Select); coding-DNA position 6292, T replaced by A.
Protein change: p.Phe2098Ile; replaces phenylalanine 2098 with isoleucine.
Molecular consequence: missense variant.
Genome position (GRCh38, 1-based): chr7:82,954,661, A>T on the plus strand (T>A on the coding strand, the complement: PCLO is on the minus strand). VCF-style: chr7-82954661-A-T. GRCh37 (hg19) VCF-style: chr7-82583977-A-T.
Other names: c.6292T>A (NM_033026.5); c.6292T>A, p.Phe2098Ile (NM_014510.3); short protein forms F2098I.
Identifiers: ClinVar variation 1486594 (VCV001486594.6), dbSNP rs769536827, ClinGen allele CA4320500.